The following is an entry in ClinVar:

GRCh38/hg38 1q31.3(chr1:197435257-197441674)x0

Gene: CRB1 (crumbs cell polarity complex component 1; plus strand). Cytogenetic location: 1q31.3.
Variant type: copy number loss.
Change: copy number 0 (both copies lost) of chr1:197,435,257-197,441,674 (6.4 kb, GRCh38 coordinates, 1-based), cytogenetic band 1q31.3.
Identifiers: ClinVar variation 2579251 (VCV002579251.1).

ClinVar aggregate classification (germline): Pathogenic (1 of 4 stars; one submission).

Conditions:
Retinitis pigmentosa 12 (RP12). Also called: RP WITH OR WITHOUT PPRPE; RP WITH OR WITHOUT PRESERVED PARAARTERIOLE RETINAL PIGMENT EPITHELIUM; RETINITIS PIGMENTOSA WITH OR WITHOUT PARAARTERIOLAR PRESERVATION OF RETINAL PIGMENT EPITHELIUM. Identifiers: Orphanet 791, MedGen C1838647, MONDO:0010818, OMIM 600105.

Submission:

Broad Center for Mendelian Genomics, Broad Institute of MIT and Harvard
Classification: Pathogenic for Retinitis pigmentosa 12. Last evaluated: 2023-08-24. Review status: criteria provided, single submitter. Criteria: ACMG/ClinGen CNV Guidelines, 2019. Collection method: research. Allele origin: unknown. Inheritance: Autosomal recessive inheritance. Affected: yes.
Comment: These breakpoints have been estimated by exome sequencing only and therefore may not reflect the true breakpoints. Inheritance information is unavailable. The patient phenotype is nonspecific, but is consistent with cases described in the literature and/or published databases with overlapping variants. This intragenic variant is predicted to cause a frameshift, which alters the protein’s amino acid sequence beginning at exon 9 and leads to a premature termination codon. This alteration is then predicted to lead to a truncated or absent protein. Loss of function of CRB1 is an established disease mechanism in autosomal recessive Leber congenital amaurosis spectrum. In summary, this variant meets criteria to be classified as pathogenic for autosomal recessive retinitis pigmentosa. The ACMG/ClinGen evidence codes and points used in this curation are as follows: 1: 0 points, 2: 0.90 points, 3: 0 points, 4-5: 0.15 points; Total: 1.05 points; Riggs 2020 (PMID: 31690835).